The following is an entry in ClinVar:

ClinVar aggregate classification (germline): Uncertain significance. Review status: criteria provided, multiple submitters, no conflicts (2 of 4 stars). 5 submissions from 5 submitters: Uncertain significance (5). Last evaluated 2024-04-18.

Conditions:
Familial thoracic aortic aneurysm and aortic dissection (TAAD). Also called: Thoracic aortic aneurysms and dissections. Identifiers: Orphanet 91387, MedGen C4707243, MONDO:0019625.
Hereditary cancer-predisposing syndrome. Also called: Neoplastic Syndromes, Hereditary; Hereditary neoplastic syndrome; Hereditary Cancer Syndrome; Tumor predisposition. Identifiers: Orphanet 140162, MedGen C0027672, MeSH D009386, MONDO:0015356.
Juvenile polyposis syndrome (JPS). Identifiers: Orphanet 2929, MedGen C0345893, MONDO:0017380, OMIM 174900.
Juvenile polyposis/hereditary hemorrhagic telangiectasia syndrome (JPHT). Also called: JP/HHT SYNDROME; JUVENILE POLYPOSIS WITH HEREDITARY HEMORRHAGIC TELANGIECTASIA; POLYPOSIS, GENERALIZED JUVENILE, WITH PULMONARY ARTERIOVENOUS MALFORMATION; TELANGIECTASIA, HEREDITARY HEMORRHAGIC, WITH JUVENILE POLYPOSIS COLI; Juvenile Polyposis Syndrome / Hereditary Hemorrhagic Telangiectasia (JPS/HHT). Identifiers: Orphanet 2929, MedGen C1832942, MONDO:0008278, OMIM 175050.

Allele frequency attached by ClinVar (database versions not stated): gnomAD exomes below 0.00001.
gnomAD v4.1: 4 of 1,613,056 alleles (0.00025%); highest among the groups gnomAD compares: East Asian, 0.0089%; no homozygotes.

Submissions (5):

Labcorp Genetics (formerly Invitae), Labcorp
Classification: Uncertain significance for Juvenile polyposis syndrome. Last evaluated: 2024-04-18. Review status: criteria provided, single submitter. Criteria: Invitae Variant Classification Sherloc (09022015). Collection method: clinical testing. Allele origin: germline.
Comment: This sequence change replaces alanine, which is neutral and non-polar, with valine, which is neutral and non-polar, at codon 309 of the SMAD4 protein (p.Ala309Val). This variant is not present in population databases (gnomAD no frequency). This variant has not been reported in the literature in individuals affected with SMAD4-related conditions. ClinVar contains an entry for this variant (Variation ID: 823137). Advanced modeling of protein sequence and biophysical properties (such as structural, functional, and spatial information, amino acid conservation, physicochemical variation, residue mobility, and thermodynamic stability) has been performed at Invitae for this missense variant, however the output from this modeling did not meet the statistical confidence thresholds required to predict the impact of this variant on SMAD4 protein function. In summary, the available evidence is currently insufficient to determine the role of this variant in disease. Therefore, it has been classified as a Variant of Uncertain Significance.

All of Us Research Program, National Institutes of Health
Classification: Uncertain significance for Juvenile polyposis/hereditary hemorrhagic telangiectasia syndrome. Last evaluated: 2024-03-24. Review status: criteria provided, single submitter. Criteria: ACMG Guidelines, 2015. Collection method: clinical testing. Allele origin: germline. Inheritance: Autosomal dominant inheritance. Observed: 1 variant allele, 1 heterozygote.
Comment: This missense variant replaces alanine with valine at codon 309 of the SMAD4 protein. Computational prediction is inconclusive regarding the impact of this variant on protein structure and function (internally defined REVEL score threshold 0.5 < inconclusive < 0.7, PMID: 27666373). To our knowledge, functional studies have not been reported for this variant. This variant has been reported in an individual affected with Peutz-Jeghers syndrome (PMID: 37377590). This variant has not been identified in the general population by the Genome Aggregation Database (gnomAD). The available evidence is insufficient to determine the role of this variant in disease conclusively. Therefore, this variant is classified as a Variant of Uncertain Significance.

This study involves interpretation of variants in research participants for the purpose of population health screening. Participant phenotype was not available at the time of variant classification. Additional details can be found in publication PMID: 35346344, PMCID: PMC8962531

Baylor Genetics
Classification: Uncertain significance for Juvenile polyposis/hereditary hemorrhagic telangiectasia syndrome. Last evaluated: 2023-10-20. Review status: criteria provided, single submitter. Criteria: ACMG Guidelines, 2015. Collection method: clinical testing. Allele origin: unknown.

Ambry Genetics
Classification: Uncertain significance for Hereditary cancer-predisposing syndrome; Familial thoracic aortic aneurysm and aortic dissection. Last evaluated: 2022-01-27. Review status: criteria provided, single submitter. Criteria: Ambry Variant Classification Scheme 2023. Collection method: clinical testing. Allele origin: germline.
Comment: The p.A309V variant (also known as c.926C>T), located in coding exon 7 of the SMAD4 gene, results from a C to T substitution at nucleotide position 926. The alanine at codon 309 is replaced by valine, an amino acid with similar properties. This amino acid position is highly conserved in available vertebrate species. In addition, the in silico prediction for this alteration is inconclusive. Since supporting evidence is limited at this time, the clinical significance of this alteration remains unclear.

Quest Diagnostics Nichols Institute San Juan Capistrano
Classification: Uncertain significance. Last evaluated: 2020-10-16. Review status: criteria provided, single submitter. Criteria: Quest Diagnostics criteria. Collection method: clinical testing. Allele origin: unknown.

Literature cited by the submitters: PubMed 37377590 (cited by All of Us Research Program, National Institutes of Health).

NM_005359.6(SMAD4):c.926C>T (p.Ala309Val)

Gene: SMAD4 (SMAD family member 4; plus strand). Cytogenetic location: 18q21.2.
Variant type: single nucleotide variant.
Coding change: c.926C>T on transcript NM_005359.6 (MANE Select); coding-DNA position 926, C replaced by T.
Protein change: p.Ala309Val; replaces alanine 309 with valine.
Molecular consequence: missense variant.
Genome position (GRCh38, 1-based): chr18:51,059,887, C>T. VCF-style: chr18-51059887-C-T. GRCh37 (hg19) VCF-style: chr18-48586257-C-T.
Other names: short protein forms A309V.
Identifiers: ClinVar variation 823137 (VCV000823137.12), dbSNP rs1599191240, ClinGen allele CA402463683.
Genomic context (GRCh38, chr18:51,059,887, plus strand): 5'-TAGTAAATAAAAATGGAATTTTTGTTGTCTTTTCTTTAGGGCCTGTTCACAATGAGCTTG[C>T]ATTCCAGCCTCCCATTTCCAATCATCCTGGTAAGTGTATTTCAAAATTGATTTCCTGTAT-3'
Protein context (NP_005350.1, residues 299-319): GHYWPVHNEL[Ala309Val]FQPPISNHPA